The following is an entry in ClinVar:

NM_001148.6(ANK2):c.6935C>T (p.Thr2312Ile)

Genes: ANK2 (ankyrin 2; plus strand), LOC126807137 (CDK7 strongly-dependent group 2 enhancer GRCh37_chr4:114276560-114277759; plus strand). Cytogenetic location: 4q26.
Variant type: single nucleotide variant.
Coding change: c.6935C>T on transcript NM_001148.6 (MANE Select); coding-DNA position 6935, C replaced by T.
Protein change: p.Thr2312Ile; replaces threonine 2312 with isoleucine.
Molecular consequence: missense variant. On other transcripts: intron variant (68).
Genome position (GRCh38, 1-based): chr4:113,355,553, C>T. VCF-style: chr4-113355553-C-T. GRCh37 (hg19) VCF-style: chr4-114276709-C-T.
Other names: c.6701C>T, p.Thr2234Ile (NM_001386142.1); c.3335C>T, p.Thr1112Ile (NM_001386166.1); c.7076C>T, p.Thr2359Ile (NM_001386174.1); c.7052C>T, p.Thr2351Ile (NM_001386175.1); c.4412-5270C>T (NM_001386186.2, NM_001386148.2); c.4214-5270C>T (NM_001354269.3); c.4292-5270C>T (NM_001386187.2); c.4253-5270C>T (NM_001386147.1); and 35 more; short protein forms T2312I, T1112I, T2234I, T2351I, T2359I.
Identifiers: ClinVar variation 4744722 (VCV004744722.1).

ClinVar aggregate classification (germline): Uncertain significance (1 of 4 stars; one submission).

Conditions:
Long QT syndrome (LQTS). Identifiers: MedGen C0023976, MeSH D008133, MONDO:0002442. Disease mechanism: loss of function. Inheritance: Various modes of inheritance.

gnomAD v4.1: 1 of 1,614,070 alleles (0.000062%); highest among the groups gnomAD compares: Admixed American, 0.0017%; no homozygotes.

Submission:

Labcorp Genetics (formerly Invitae), Labcorp
Classification: Uncertain significance for Long QT syndrome. Last evaluated: 2025-08-25. Review status: criteria provided, single submitter. Criteria: Invitae Variant Classification Sherloc (09022015). Collection method: clinical testing. Allele origin: germline.
Comment: This sequence change replaces threonine, which is neutral and polar, with isoleucine, which is neutral and non-polar, at codon 2312 of the ANK2 protein (p.Thr2312Ile). This variant is not present in population databases (gnomAD no frequency). This variant has not been reported in the literature in individuals affected with ANK2-related conditions. An algorithm developed to predict the effect of missense changes on protein structure and function (PolyPhen-2) suggests that this variant is likely to be tolerated. In summary, the available evidence is currently insufficient to determine the role of this variant in disease. Therefore, it has been classified as a Variant of Uncertain Significance.